The following is an entry in ClinVar:

NM_000059.4(BRCA2):c.3854A>G (p.Glu1285Gly)

Gene: BRCA2 (BRCA2 DNA repair associated; plus strand). Cytogenetic location: 13q13.1.
Variant type: single nucleotide variant.
Coding change: c.3854A>G on transcript NM_000059.4 (MANE Select); coding-DNA position 3854, A replaced by G.
Protein change: p.Glu1285Gly; replaces glutamic acid 1285 with glycine.
Molecular consequence: missense variant.
Genome position (GRCh38, 1-based): chr13:32,338,209, A>G. VCF-style: chr13-32338209-A-G. GRCh37 (hg19) VCF-style: chr13-32912346-A-G.
Other names: short protein forms E1285G.
Identifiers: ClinVar variation 627710 (VCV000627710.19), dbSNP rs747103920, ClinGen allele CA6940730.

ClinVar aggregate classification (germline): Conflicting classifications of pathogenicity. Review status: criteria provided, conflicting classifications (1 of 4 stars). 6 submissions from 6 submitters: Uncertain significance (3); Likely benign (2). 1 of the submissions does not count toward it. Last evaluated 2025-03-20.

Conditions:
Hereditary breast ovarian cancer syndrome. Also called: Hereditary breast and ovarian cancer; Hereditary breast and ovarian cancer syndrome (HBOC); Hereditary breast and/or ovarian cancer syndrome; Hereditary breast and ovarian cancer syndrome; Breast and ovarian cancer; BRCA1- and BRCA2-Associated Hereditary Breast and Ovarian Cancer. Identifiers: Orphanet 145, MedGen C0677776, MeSH D061325, MONDO:0003582. Disease mechanism: loss of function.
Breast-ovarian cancer, familial, susceptibility to, 2 (BROVCA2). Also called: BRCA2 Hereditary Breast and Ovarian Cancer. Identifiers: Orphanet 145, MedGen C2675520, MONDO:0012933, OMIM 612555. Disease mechanism: loss of function.
BRCA2-related cancer predisposition. Identifiers: MedGen CN377758, MONDO:0700269.
Hereditary cancer-predisposing syndrome. Also called: Tumor predisposition; Neoplastic Syndromes, Hereditary; Hereditary Cancer Syndrome; Hereditary neoplastic syndrome. Identifiers: Orphanet 140162, MedGen C0027672, MeSH D009386, MONDO:0015356.

Allele frequency attached by ClinVar (database versions not stated): gnomAD exomes below 0.00001 and 0.00001; ExAC 0.00001.
gnomAD v4.1: 1 of 1,543,916 alleles (0.000065%); highest among the groups gnomAD compares: Non-Finnish European, 0.000087%; no homozygotes.

Submissions (6):

Ambry Genetics
Classification: Likely benign for Hereditary cancer-predisposing syndrome. Last evaluated: 2025-03-20. Review status: criteria provided, single submitter. Criteria: Ambry Variant Classification Scheme 2023. Collection method: clinical testing. Allele origin: germline.

All of Us Research Program, National Institutes of Health
Classification: Uncertain significance for BRCA2-related cancer predisposition. Last evaluated: 2024-05-30. Review status: criteria provided, single submitter. Criteria: ACMG Guidelines, 2015. Collection method: clinical testing. Allele origin: germline. Inheritance: Autosomal dominant inheritance. Observed: 1 variant allele, 1 heterozygote.
Comment: This missense variant replaces glutamic acid with glycine at codon 1285 of the BRCA2 protein. Computational prediction suggests that this variant may not impact protein structure and function. To our knowledge, functional studies have not been reported for this variant. This variant has not been reported in individuals affected with BRCA2-related disorders in the literature. This variant has been identified in 1/197086 chromosomes in the general population by the Genome Aggregation Database (gnomAD). The available evidence is insufficient to determine the role of this variant in disease conclusively. Therefore, this variant is classified as a Variant of Uncertain Significance.

This study involves interpretation of variants in research participants for the purpose of population health screening. Participant phenotype was not available at the time of variant classification. Additional details can be found in publication PMID: 35346344, PMCID: PMC8962531

Color Diagnostics, LLC DBA Color Health
Classification: Uncertain significance for Hereditary cancer-predisposing syndrome. Last evaluated: 2024-05-14. Review status: criteria provided, single submitter. Criteria: ACMG Guidelines, 2015. Collection method: clinical testing. Allele origin: germline.
Comment: This missense variant replaces glutamic acid with glycine at codon 1285 of the BRCA2 protein. Computational prediction suggests that this variant may not impact protein structure and function. To our knowledge, functional studies have not been reported for this variant. This variant has not been reported in individuals affected with BRCA2-related disorders in the literature. This variant has been identified in 1/197086 chromosomes in the general population by the Genome Aggregation Database (gnomAD). The available evidence is insufficient to determine the role of this variant in disease conclusively. Therefore, this variant is classified as a Variant of Uncertain Significance.

Labcorp Genetics (formerly Invitae), Labcorp
Classification: Uncertain significance for Hereditary breast ovarian cancer syndrome. Last evaluated: 2024-05-06. Review status: criteria provided, single submitter. Criteria: Invitae Variant Classification Sherloc (09022015). Collection method: clinical testing. Allele origin: germline.
Comment: This sequence change replaces glutamic acid, which is acidic and polar, with glycine, which is neutral and non-polar, at codon 1285 of the BRCA2 protein (p.Glu1285Gly). This variant is present in population databases (rs747103920, gnomAD 0.001%). This variant has not been reported in the literature in individuals affected with BRCA2-related conditions. ClinVar contains an entry for this variant (Variation ID: 627710). Advanced modeling of protein sequence and biophysical properties (such as structural, functional, and spatial information, amino acid conservation, physicochemical variation, residue mobility, and thermodynamic stability) performed at Invitae indicates that this missense variant is not expected to disrupt BRCA2 protein function with a negative predictive value of 95%. In summary, the available evidence is currently insufficient to determine the role of this variant in disease. Therefore, it has been classified as a Variant of Uncertain Significance.

University of Washington Department of Laboratory Medicine, University of Washington
Classification: Likely benign for Hereditary cancer-predisposing syndrome. Last evaluated: 2023-03-23. Review status: criteria provided, single submitter. Criteria: Dines et al. (Genet Med. 2020). Collection method: curation. Allele origin: germline.
Comment: Missense variant in a coldspot region where missense variants are very unlikely to be pathogenic (PMID:31911673).

BRCA2 exon 11 coldspot. Reclassification based on statistical prior probability.

Department of Medical and Surgical Sciences, University of Bologna
Classification: Likely benign for Breast-ovarian cancer, familial, susceptibility to, 2. Last evaluated: 2023-09-01. Review status: no assertion criteria provided. Collection method: clinical testing. Allele origin: germline. Affected: yes. Not counted in ClinVar's aggregate classification.
Comment: PM2(Supporting)+BP1(Strong) according to ACMG/AMP classification guidelines specified for BRCA1 & BRCA2 (Classification Criteria V1.0.0 2023-09-08) (PMID: 38160042)